The following is an entry in ClinVar:

ClinVar aggregate classification (germline): Pathogenic. Review status: criteria provided, multiple submitters, no conflicts (2 of 4 stars). 8 submissions from 8 submitters: Pathogenic (5). 3 of the submissions do not count toward it. Last evaluated 2025-01-06.

Conditions:
Lodder-Merla syndrome, type 1, with impaired intellectual development and cardiac arrhythmia. Also called: Intellectual developmental disorder with cardiac arrhythmia; Gnb5-related intellectual disability-cardiac arrhythmia syndrome. Identifiers: Orphanet 542306, MedGen C5568877, MONDO:0014953, OMIM 617173.
Inborn genetic diseases. Identifiers: MedGen C0950123, MeSH D030342.
Language delay and attention deficit-hyperactivity disorder/cognitive impairment with or without cardiac arrhythmia (LDMLS2). Also called: LODDER-MERLA SYNDROME, TYPE 2, WITH DEVELOPMENTAL DELAY AND WITH OR WITHOUT CARDIAC ARRHYTHMIA. Identifiers: MedGen C4310678, MONDO:0014957, OMIM 617182.

Allele frequency attached by ClinVar (database versions not stated): ExAC 0.00001.
gnomAD v4.1: 10 of 1,613,984 alleles (0.00062%); highest among the groups gnomAD compares: South Asian, 0.011%; no homozygotes.

Submissions (8):

First Genomix Gene Laboratory, Genetic Diagnostics Department
Classification: Pathogenic for Lodder-Merla syndrome, type 1, with impaired intellectual development and cardiac arrhythmia; Language delay and attention deficit-hyperactivity disorder/cognitive impairment with or without cardiac arrhythmia. Last evaluated: 2025-01-06. Review status: criteria provided, single submitter. Criteria: ACMG Guidelines, 2015. Collection method: clinical testing. Allele origin: germline. Inheritance: Autosomal recessive inheritance. Affected: no. Observed: 1 variant allele.

GeneDx
Classification: Pathogenic. Last evaluated: 2023-05-19. Review status: criteria provided, single submitter. Criteria: GeneDx Variant Classification Process June 2021. Collection method: clinical testing. Allele origin: germline. Affected: yes.
Comment: Nonsense variant predicted to result in protein truncation or nonsense mediated decay in a gene for which loss of function is a known mechanism of disease; Not observed at significant frequency in large population cohorts (gnomAD); This variant is associated with the following publications: (PMID: 32280589, 31631344, 31720979, 32477400, 28327206, 33172956, 32203251, 27523599)

Labcorp Genetics (formerly Invitae), Labcorp
Classification: Pathogenic. Last evaluated: 2020-06-08. Review status: criteria provided, single submitter. Criteria: Invitae Variant Classification Sherloc (09022015). Collection method: clinical testing. Allele origin: germline.
Comment: For these reasons, this variant has been classified as Pathogenic. Loss-of-function variants in GNB5 are known to be pathogenic (PMID: 21766168, 27523599). Algorithms developed to predict the effect of sequence changes on RNA splicing suggest that this variant may create or strengthen a splice site, but this prediction has not been confirmed by published transcriptional studies. This variant has been observed in individual(s) with GNB5-related conditions (PMID: 27523599). ClinVar contains an entry for this variant (Variation ID: 268102). This variant is present in population databases (rs749597091, ExAC 0.006%). This sequence change creates a premature translational stop signal (p.Tyr344*) in the GNB5 gene. It is expected to result in an absent or disrupted protein product.

Revvity Omics, Revvity
Classification: Pathogenic. Last evaluated: 2019-06-04. Review status: criteria provided, single submitter. Criteria: ACMG Guidelines, 2015. Collection method: clinical testing. Allele origin: germline.

Ambry Genetics
Classification: Pathogenic for Inborn genetic diseases. Last evaluated: 2017-02-01. Review status: criteria provided, single submitter. Criteria: Ambry exome assertion method (8-5-2015). Collection method: clinical testing. Allele origin: germline. Affected: yes. Observed: 2 variant alleles.

OMIM
Classification: Pathogenic for INTELLECTUAL DEVELOPMENTAL DISORDER WITH CARDIAC ARRHYTHMIA. Last evaluated: 2016-11-09. Review status: no assertion criteria provided. Collection method: literature only. Allele origin: germline. Not counted in ClinVar's aggregate classification.

GeneReviews
No classification provided. Condition: Lodder-Merla syndrome, type 1, with impaired intellectual development and cardiac arrhythmia. Review status: no classification provided. Collection method: literature only. Allele origin: germline. Not counted in ClinVar's aggregate classification.
Comment: Recurrent variant reported in 6 families from India and Pakistan

Lupski Lab, Baylor-Hopkins CMG, Baylor College of Medicine
Classification: Pathogenic for Lodder-Merla syndrome, type 1, with impaired intellectual development and cardiac arrhythmia. Review status: no assertion criteria provided. Collection method: research. Allele origin: germline. Inheritance: Autosomal recessive inheritance. Affected: yes. Not counted in ClinVar's aggregate classification.

Literature cited by the submitters: PubMed 21766168 (cited by Labcorp Genetics (formerly Invitae), Labcorp); PubMed 27523599 (cited by 3 submitters); PubMed 31631344 (cited by GeneReviews); PubMed 33172956 (cited by GeneReviews); NCBI Bookshelf NBK573218 (cited by GeneReviews).

NM_016194.4(GNB5):c.1032C>G (p.Tyr344Ter)

Gene: GNB5 (G protein subunit beta 5; minus strand). Cytogenetic location: 15q21.2.
Variant type: single nucleotide variant.
Coding change: c.1032C>G on transcript NM_016194.4 (MANE Select); coding-DNA position 1032, C replaced by G.
Protein change: p.Tyr344Ter; replaces tyrosine 344 with a stop codon.
Molecular consequence: nonsense.
Genome position (GRCh38, 1-based): chr15:52,124,617, G>C on the plus strand (C>G on the coding strand, the complement: GNB5 is on the minus strand). VCF-style: chr15-52124617-G-C. GRCh37 (hg19) VCF-style: chr15-52416814-G-C.
Other names: c.750C>G, p.Tyr250Ter (NM_001379343.1); c.906C>G, p.Tyr302Ter (NM_006578.4); short protein forms Y302*, Y344*, Y250*.
Identifiers: ClinVar variation 268102 (VCV000268102.21), dbSNP rs749597091, ClinGen allele CA7565543.